The following is an entry in ClinVar:

ClinVar aggregate classification (germline): Uncertain significance (1 of 4 stars; one submission).

gnomAD v4.1: 6 of 1,614,228 alleles (0.00037%); highest among the groups gnomAD compares: Non-Finnish European, 0.00051%; no homozygotes.

Submission:

Labcorp Genetics (formerly Invitae), Labcorp
Classification: Uncertain significance. Last evaluated: 2023-10-08. Review status: criteria provided, single submitter. Criteria: Invitae Variant Classification Sherloc (09022015). Collection method: clinical testing. Allele origin: germline.
Comment: This sequence change replaces tyrosine, which is neutral and polar, with cysteine, which is neutral and slightly polar, at codon 432 of the TUBA8 protein (p.Tyr432Cys). This variant is not present in population databases (gnomAD no frequency). This variant has not been reported in the literature in individuals affected with TUBA8-related conditions. An algorithm developed to predict the effect of missense changes on protein structure and function (PolyPhen-2) suggests that this variant is likely to be disruptive. In summary, the available evidence is currently insufficient to determine the role of this variant in disease. Therefore, it has been classified as a Variant of Uncertain Significance.

NM_018943.3(TUBA8):c.1295A>G (p.Tyr432Cys)

Gene: TUBA8 (tubulin alpha 8; plus strand). Cytogenetic location: 22q11.21.
Variant type: single nucleotide variant.
Coding change: c.1295A>G on transcript NM_018943.3 (MANE Select); coding-DNA position 1295, A replaced by G.
Protein change: p.Tyr432Cys; replaces tyrosine 432 with cysteine.
Molecular consequence: missense variant.
Genome position (GRCh38, 1-based): chr22:18,131,081, A>G. VCF-style: chr22-18131081-A-G. GRCh37 (hg19) VCF-style: chr22-18613848-A-G.
Other names: c.1097A>G, p.Tyr366Cys (NM_001193414.2); short protein forms Y366C, Y432C.
Identifiers: ClinVar variation 2859860 (VCV002859860.3), dbSNP rs2517714142, ClinGen allele CA410267637.